The following is an entry in ClinVar:

NM_020320.5(RARS2):c.697_703del (p.Gly233fs)

Gene: RARS2 (arginyl-tRNA synthetase 2, mitochondrial; minus strand). Cytogenetic location: 6q15.
Variant type: Deletion.
Coding change: c.697_703del on transcript NM_020320.5 (MANE Select); coding-DNA positions 697 to 703, 7 bases deleted (GGCGATG; older notation c.697_703delGGCGATG).
Protein change: p.Gly233fs; shifts the reading frame from glycine 233.
Molecular consequence: frameshift variant. On other transcripts: non-coding transcript variant (23).
Genome position (GRCh38, 1-based): chr6:87,530,852-87,530,858, CATCGCC deleted on the plus strand (GGCGATG on the coding strand, the reverse complement: RARS2 is on the minus strand); deleting any 7 consecutive bases within chr6:87,530,852-87,530,860 gives the same sequence; the c. name uses the placement nearest the transcript's 3' end. VCF-style (leftmost placement, unchanged base first): chr6-87530851-ACATCGCC-A. GRCh37 (hg19) VCF-style: chr6-88240569-ACATCGCC-A.
Other names: c.172_178del, p.Gly58fs (NM_001318785.2, NM_001350506.2, NM_001350507.2 and 4 more transcripts); c.697_703del, p.Gly233fs (NM_001350505.2); short protein forms G233fs, G58fs.
Identifiers: ClinVar variation 2868305 (VCV002868305.3), dbSNP rs2483591737, ClinGen allele CA2739273320.

ClinVar aggregate classification (germline): Pathogenic (1 of 4 stars; one submission).

Submission:

Labcorp Genetics (formerly Invitae), Labcorp
Classification: Pathogenic. Last evaluated: 2023-11-18. Review status: criteria provided, single submitter. Criteria: Invitae Variant Classification Sherloc (09022015). Collection method: clinical testing. Allele origin: germline.
Comment: This sequence change creates a premature translational stop signal (p.Gly233Cysfs*13) in the RARS2 gene. It is expected to result in an absent or disrupted protein product. Loss-of-function variants in RARS2 are known to be pathogenic (PMID: 17847012, 22569581, 26083569). This variant is not present in population databases (gnomAD no frequency). This variant has not been reported in the literature in individuals affected with RARS2-related conditions. For these reasons, this variant has been classified as Pathogenic.

Literature cited by the submitters: PubMed 17847012; PubMed 22569581; PubMed 26083569.